The following is an entry in ClinVar:

NM_006979.3(SLC39A7):c.176_199dup (p.His66_Thr67insSerHisAlaHisGlyHisGlyHis)

Gene: SLC39A7 (solute carrier family 39 member 7; plus strand). Cytogenetic location: 6p21.32.
Variant type: Duplication.
Coding change: c.176_199dup on transcript NM_006979.3 (MANE Select); coding-DNA positions 176 to 199, 24 bases duplicated (GCCATGCCCATGGCCATGGCCACA).
Protein change: p.His66_Thr67insSerHisAlaHisGlyHisGlyHis.
Molecular consequence: inframe insertion. On other transcripts: intron variant (1).
Genome position (GRCh38, 1-based): chr6:33,201,421-33,201,444, GCCATGCCCATGGCCATGGCCACA duplicated; duplicating any 24 consecutive bases within chr6:33,201,410-33,201,444 gives the same sequence; the c. name uses the placement nearest the transcript's 3' end. VCF-style (leftmost placement, unchanged base first): chr6-33201409-A-ACCATGGCCACAGCCATGCCCATGG. GRCh37 (hg19) VCF-style: chr6-33169186-A-ACCATGGCCACAGCCATGCCCATGG.
Other names: c.176_199dup, p.His66_Thr67insSerHisAlaHisGlyHisGlyHis (NM_001077516.2); c.52+33_52+56dup (NM_001288777.2).
Identifiers: ClinVar variation 2171639 (VCV002171639.4), dbSNP rs768947814, ClinGen allele CA3752206.

ClinVar aggregate classification (germline): Uncertain significance. Review status: criteria provided, multiple submitters, no conflicts (2 of 4 stars). 2 submissions from 2 submitters: Uncertain significance (2). Last evaluated 2024-12-18.

Conditions:
Agammaglobulinemia 9, autosomal recessive (AGM9). Also called: AGAMMAGLOBULINEMIA, AUTOSOMAL RECESSIVE, DUE TO SLC39A7 DEFECT. Identifiers: Orphanet 693627, MedGen C5562059, MONDO:0030519, OMIM 619693.

Submissions (2):

Genomic Medicine Center of Excellence, King Faisal Specialist Hospital and Research Centre
Classification: Uncertain significance for Agammaglobulinemia 9, autosomal recessive. Last evaluated: 2024-12-18. Review status: criteria provided, single submitter. Criteria: ACMG Guidelines, 2015. Collection method: clinical testing. Allele origin: germline.

Labcorp Genetics (formerly Invitae), Labcorp
Classification: Uncertain significance. Last evaluated: 2022-07-25. Review status: criteria provided, single submitter. Criteria: Invitae Variant Classification Sherloc (09022015). Collection method: clinical testing. Allele origin: germline.
Comment: In summary, the available evidence is currently insufficient to determine the role of this variant in disease. Therefore, it has been classified as a Variant of Uncertain Significance. Algorithms developed to predict the effect of sequence changes on RNA splicing suggest that this variant may disrupt the consensus splice site. This variant has not been reported in the literature in individuals affected with SLC39A7-related conditions. This variant is present in population databases (rs768947814, gnomAD 0.01%). This variant, c.176_199dup, results in the insertion of 8 amino acid(s) of the SLC39A7 protein (p.Ser59_His66dup), but otherwise preserves the integrity of the reading frame.